The following is an entry in ClinVar:

ClinVar aggregate classification (germline): Uncertain significance (1 of 4 stars; one submission).

Conditions:
Fanconi anemia complementation group E (FANCE). Also called: FANCE-Related Fanconi Anemia. Identifiers: Orphanet 84, MedGen C3160739, MONDO:0010953, OMIM 600901.

Submission:

Labcorp Genetics (formerly Invitae), Labcorp
Classification: Uncertain significance for Fanconi anemia complementation group E. Last evaluated: 2021-10-16. Review status: criteria provided, single submitter. Criteria: Invitae Variant Classification Sherloc (09022015). Collection method: clinical testing. Allele origin: germline.
Comment: This sequence change replaces proline with alanine at codon 397 of the FANCE protein (p.Pro397Ala). The proline residue is highly conserved and there is a small physicochemical difference between proline and alanine. This variant is not present in population databases (ExAC no frequency). This variant has not been reported in the literature in individuals affected with FANCE-related conditions. Algorithms developed to predict the effect of missense changes on protein structure and function output the following: SIFT: "Tolerated"; PolyPhen-2: "Benign"; Align-GVGD: "Class C0". The alanine amino acid residue is found in multiple mammalian species, which suggests that this missense change does not adversely affect protein function. In summary, the available evidence is currently insufficient to determine the role of this variant in disease. Therefore, it has been classified as a Variant of Uncertain Significance.

NM_021922.3(FANCE):c.1189C>G (p.Pro397Ala)

Gene: FANCE (FA complementation group E; plus strand). Cytogenetic location: 6p21.31.
Variant type: single nucleotide variant.
Coding change: c.1189C>G on transcript NM_021922.3 (MANE Select); coding-DNA position 1189, C replaced by G.
Protein change: p.Pro397Ala; replaces proline 397 with alanine.
Molecular consequence: missense variant.
Genome position (GRCh38, 1-based): chr6:35,459,406, C>G. VCF-style: chr6-35459406-C-G. GRCh37 (hg19) VCF-style: chr6-35427183-C-G.
Other names: short protein forms P397A.
Identifiers: ClinVar variation 1411718 (VCV001411718.3), dbSNP rs759782690, ClinGen allele CA137301040.